The following is an entry in ClinVar:

NM_138704.4(NSMCE3):c.133G>C (p.Glu45Gln)

Genes: ENTREP2 (endosomal transmembrane epsin interactor 2; minus strand), NSMCE3 (NSE3 homolog, SMC5-SMC6 complex component; minus strand). Cytogenetic location: 15q13.1.
Variant type: single nucleotide variant.
Coding change: c.133G>C on transcript NM_138704.4 (MANE Select); coding-DNA position 133, G replaced by C.
Protein change: p.Glu45Gln; replaces glutamic acid 45 with glutamine.
Molecular consequence: missense variant. On other transcripts: intron variant (5).
Genome position (GRCh38, 1-based): chr15:29,269,573, C>G on the plus strand (G>C on the coding strand, the complement: NSMCE3 is on the minus strand). VCF-style: chr15-29269573-C-G. GRCh37 (hg19) VCF-style: chr15-29561777-C-G.
Other names: c.-12-17095G>C (NM_001387217.1, NM_001387215.1, NM_001387216.1); c.277-17095G>C (NM_001387214.1, NM_015307.2); short protein forms E45Q.
Identifiers: ClinVar variation 1425967 (VCV001425967.6), dbSNP rs746746933, ClinGen allele CA7446225.

ClinVar aggregate classification (germline): Uncertain significance. Review status: criteria provided, multiple submitters, no conflicts (2 of 4 stars). 2 submissions from 2 submitters: Uncertain significance (2). Last evaluated 2024-02-12.

Allele frequency attached by ClinVar (database versions not stated): gnomAD 0.00004 and 0.00005; ExAC 0.00005.
gnomAD v4.1: 31 of 1,535,440 alleles (0.002%); highest among the groups gnomAD compares: Middle Eastern, 0.035%; no homozygotes.

Submissions (2):

Ambry Genetics
Classification: Uncertain significance. Last evaluated: 2024-02-12. Review status: criteria provided, single submitter. Criteria: Ambry Variant Classification Scheme 2023. Collection method: clinical testing. Allele origin: germline.

Labcorp Genetics (formerly Invitae), Labcorp
Classification: Uncertain significance. Last evaluated: 2022-09-19. Review status: criteria provided, single submitter. Criteria: Invitae Variant Classification Sherloc (09022015). Collection method: clinical testing. Allele origin: germline.
Comment: This sequence change replaces glutamic acid, which is acidic and polar, with glutamine, which is neutral and polar, at codon 45 of the NSMCE3 protein (p.Glu45Gln). The frequency data for this variant in the population databases is considered unreliable, as metrics indicate poor data quality at this position in the gnomAD database. This variant has not been reported in the literature in individuals affected with NSMCE3-related conditions. ClinVar contains an entry for this variant (Variation ID: 1425967). Advanced modeling of protein sequence and biophysical properties (such as structural, functional, and spatial information, amino acid conservation, physicochemical variation, residue mobility, and thermodynamic stability) performed at Invitae indicates that this missense variant is not expected to disrupt NSMCE3 protein function. In summary, the available evidence is currently insufficient to determine the role of this variant in disease. Therefore, it has been classified as a Variant of Uncertain Significance.